The following is an entry in ClinVar:

NM_032043.3(BRIP1):c.2608C>T (p.His870Tyr)

Gene: BRIP1 (BRCA1 interacting DNA helicase 1; minus strand). Cytogenetic location: 17q23.2.
Variant type: single nucleotide variant.
Coding change: c.2608C>T on transcript NM_032043.3 (MANE Select); coding-DNA position 2608, C replaced by T.
Protein change: p.His870Tyr; replaces histidine 870 with tyrosine.
Molecular consequence: missense variant.
Genome position (GRCh38, 1-based): chr17:61,686,133, G>A on the plus strand (C>T on the coding strand, the complement: BRIP1 is on the minus strand). VCF-style: chr17-61686133-G-A. GRCh37 (hg19) VCF-style: chr17-59763494-G-A.
Other names: short protein forms H870Y.
Identifiers: ClinVar variation 2497437 (VCV002497437.2), dbSNP rs2144117884, ClinGen allele CA400481951.

ClinVar aggregate classification (germline): Uncertain significance (1 of 4 stars; one submission).

Conditions:
Hereditary cancer-predisposing syndrome. Also called: Neoplastic Syndromes, Hereditary; Hereditary neoplastic syndrome; Tumor predisposition; Hereditary Cancer Syndrome. Identifiers: Orphanet 140162, MedGen C0027672, MeSH D009386, MONDO:0015356.

gnomAD v4.1: 1 of 1,614,032 alleles (0.000062%); no homozygotes.

Submission:

Ambry Genetics
Classification: Uncertain significance for Hereditary cancer-predisposing syndrome. Last evaluated: 2023-02-22. Review status: criteria provided, single submitter. Criteria: Ambry Variant Classification Scheme 2023. Collection method: clinical testing. Allele origin: germline.
Comment: The p.H870Y variant (also known as c.2608C>T), located in coding exon 18 of the BRIP1 gene, results from a C to T substitution at nucleotide position 2608. The histidine at codon 870 is replaced by tyrosine, an amino acid with similar properties. This amino acid position is highly conserved in available vertebrate species. In addition, the in silico prediction for this alteration is inconclusive. Since supporting evidence is limited at this time, the clinical significance of this alteration remains unclear.